The following is an entry in ClinVar:

NM_001253852.3(AP4B1):c.1111A>G (p.Ile371Val)

Genes: AP4B1 (adaptor related protein complex 4 subunit beta 1; minus strand), AP4B1-AS1 (AP4B1 antisense RNA 1; plus strand). Cytogenetic location: 1p13.2.
Variant type: single nucleotide variant.
Coding change: c.1111A>G on transcript NM_001253852.3 (MANE Select); coding-DNA position 1111, A replaced by G.
Protein change: p.Ile371Val; replaces isoleucine 371 with valine.
Molecular consequence: missense variant. On other transcripts: non-coding transcript variant (2).
Genome position (GRCh38, 1-based): chr1:113,899,907, T>C on the plus strand (A>G on the coding strand, the complement: AP4B1 is on the minus strand). VCF-style: chr1-113899907-T-C. GRCh37 (hg19) VCF-style: chr1-114442529-T-C.
Other names: c.814A>G, p.Ile272Val (NM_001253853.3); c.607A>G, p.Ile203Val (NM_001308312.2); c.1111A>G, p.Ile371Val (NM_006594.5); short protein forms I371V, I203V, I272V.
Identifiers: ClinVar variation 210191 (VCV000210191.8), dbSNP rs797045242, ClinGen allele CA208052.

ClinVar aggregate classification (germline): Uncertain significance. Review status: criteria provided, multiple submitters, no conflicts (2 of 4 stars). 3 submissions from 3 submitters: Uncertain significance (3). Last evaluated 2023-04-11.

Conditions:
Hereditary spastic paraplegia 47. Also called: Spastic paraplegia 47, autosomal recessive; CEREBRAL PALSY, SPASTIC QUADRIPLEGIC, 5; adaptor protein 4 (AP-4) deficiency syndrome. Identifiers: Orphanet 280763, MedGen C3279738, MONDO:0013551, OMIM 614066.

Allele frequency attached by ClinVar (database versions not stated): gnomAD exomes below 0.00001 and 0.00001; TOPMed below 0.00001; gnomAD 0.00001.
gnomAD v4.1: 13 of 1,614,028 alleles (0.00081%); highest among the groups gnomAD compares: Middle Eastern, 0.016%; no homozygotes.

Submissions (3):

Genome-Nilou Lab
Classification: Uncertain significance for Hereditary spastic paraplegia 47. Last evaluated: 2023-04-11. Review status: criteria provided, single submitter. Criteria: ACMG Guidelines, 2015. Collection method: clinical testing. Allele origin: germline. Affected: no.

Labcorp Genetics (formerly Invitae), Labcorp
Classification: Uncertain significance for Hereditary spastic paraplegia 47. Last evaluated: 2022-04-19. Review status: criteria provided, single submitter. Criteria: Invitae Variant Classification Sherloc (09022015). Collection method: clinical testing. Allele origin: germline.
Comment: This sequence change replaces isoleucine, which is neutral and non-polar, with valine, which is neutral and non-polar, at codon 371 of the AP4B1 protein (p.Ile371Val). This variant is present in population databases (rs797045242, gnomAD 0.0009%). This variant has not been reported in the literature in individuals affected with AP4B1-related conditions. ClinVar contains an entry for this variant (Variation ID: 210191). Algorithms developed to predict the effect of missense changes on protein structure and function are either unavailable or do not agree on the potential impact of this missense change (SIFT: "Tolerated"; PolyPhen-2: "Possibly Damaging"; Align-GVGD: "Class C15"). In summary, the available evidence is currently insufficient to determine the role of this variant in disease. Therefore, it has been classified as a Variant of Uncertain Significance.

Genetic Services Laboratory, University of Chicago
Classification: Uncertain significance. Last evaluated: 2014-12-18. Review status: criteria provided, single submitter. Criteria: ACMG Guidelines, 2015. Collection method: clinical testing. Allele origin: germline.